The following is an entry in ClinVar:

NM_001029896.2(WDR45):c.131-2A>G

Genes: WDR45 (WD repeat domain 45; minus strand), LOC126863256 (BRD4-independent group 4 enhancer GRCh37_chrX:48934848-48936047; plus strand). Cytogenetic location: Xp11.23.
Variant type: single nucleotide variant.
Coding change: c.131-2A>G on transcript NM_001029896.2 (MANE Select); the canonical splice acceptor site of the intron before coding-DNA position 131, A replaced by G.
Molecular consequence: splice acceptor variant.
Genome position (GRCh38, 1-based): chrX:49,077,749, T>C on the plus strand (A>G on the coding strand, the complement: WDR45 is on the minus strand). VCF-style: chrX-49077749-T-C. GRCh37 (hg19) VCF-style: chrX-48935408-T-C.
Other names: c.131-2A>G (NM_007075.4).
Identifiers: ClinVar variation 540346 (VCV000540346.9), dbSNP rs1557084491, ClinGen allele CA412949274.

ClinVar aggregate classification (germline): Pathogenic/Likely pathogenic. Review status: criteria provided, multiple submitters, no conflicts (2 of 4 stars). 2 submissions from 2 submitters: Pathogenic (1); Likely pathogenic (1). Last evaluated 2024-12-16.

Conditions:
Neurodegeneration with brain iron accumulation 5 (NBIA5). Also called: Beta-propeller protein-associated neurodegeneration; STATIC ENCEPHALOPATHY OF CHILDHOOD WITH NEURODEGENERATION IN ADULTHOOD. Identifiers: Orphanet 329284, MedGen C3550973, MONDO:0010476, OMIM 300894.

Submissions (2):

GeneDx
Classification: Pathogenic. Last evaluated: 2024-12-16. Review status: criteria provided, single submitter. Criteria: GeneDx Variant Classification Process June 2021. Collection method: clinical testing. Allele origin: germline.
Comment: Canonical splice site variant predicted to result in an in-frame loss of the adjacent exon in a gene for which loss of function is a known mechanism of disease; Not observed at significant frequency in large population cohorts (gnomAD); This variant is associated with the following publications: (PMID: 33057194, 35982159, 33504798, 32811771)

Labcorp Genetics (formerly Invitae), Labcorp
Classification: Likely pathogenic for Neurodegeneration with brain iron accumulation 5. Last evaluated: 2017-09-10. Review status: criteria provided, single submitter. Criteria: Invitae Variant Classification Sherloc (09022015). Collection method: clinical testing. Allele origin: germline.
Comment: In summary, the currently available evidence indicates that the variant is pathogenic, but additional data are needed to prove that conclusively. Therefore, this variant has been classified as Likely Pathogenic. Donor and acceptor splice site variants typically lead to a loss of protein function (PMID: 16199547), and loss-of-function variants in WDR45 are known to be pathogenic (PMID: 23176820, 24368176, 25744623). This variant has not been reported in the literature in individuals with WDR45-related disease. This variant is not present in population databases (ExAC no frequency). This sequence change affects an acceptor splice site in intron 4 of the WDR45 gene. It is expected to disrupt RNA splicing and likely results in an absent or disrupted protein product.

Literature cited by the submitters: PubMed 16199547 (cited by Labcorp Genetics (formerly Invitae), Labcorp); PubMed 23176820 (cited by Labcorp Genetics (formerly Invitae), Labcorp); PubMed 24368176 (cited by Labcorp Genetics (formerly Invitae), Labcorp); PubMed 25744623 (cited by Labcorp Genetics (formerly Invitae), Labcorp).